The following is an entry in ClinVar:

NM_004211.5(SLC6A5):c.1325C>A (p.Thr442Asn)

Gene: SLC6A5 (solute carrier family 6 member 5; plus strand). Cytogenetic location: 11p15.1.
Variant type: single nucleotide variant.
Coding change: c.1325C>A on transcript NM_004211.5 (MANE Select); coding-DNA position 1325, C replaced by A.
Protein change: p.Thr442Asn; replaces threonine 442 with asparagine.
Molecular consequence: missense variant.
Genome position (GRCh38, 1-based): chr11:20,626,772, C>A. VCF-style: chr11-20626772-C-A. GRCh37 (hg19) VCF-style: chr11-20648318-C-A.
Other names: c.623C>A, p.Thr208Asn (NM_001318369.2); short protein forms T208N, T442N.
Identifiers: ClinVar variation 1979577 (VCV001979577.1), dbSNP rs1362801777, ClinGen allele CA379917003.

ClinVar aggregate classification (germline): Uncertain significance (1 of 4 stars; one submission).

Conditions:
Hyperekplexia 3 (HKPX3). Also called: HYPEREKPLEXIA 3, AUTOSOMAL RECESSIVE; HYPEREKPLEXIA 3, AUTOSOMAL DOMINANT. Identifiers: Orphanet 3197, MedGen C3553288, MONDO:0013827, OMIM 614618.

Allele frequency attached by ClinVar (database versions not stated): gnomAD 0.00001; gnomAD exomes 0.00001; TOPMed 0.00001.
gnomAD v4.1: 22 of 1,613,928 alleles (0.0014%); highest among the groups gnomAD compares: Non-Finnish European, 0.0018%; no homozygotes.

Submission:

Labcorp Genetics (formerly Invitae), Labcorp
Classification: Uncertain significance for Hyperekplexia 3. Last evaluated: 2022-04-15. Review status: criteria provided, single submitter. Criteria: Invitae Variant Classification Sherloc (09022015). Collection method: clinical testing. Allele origin: germline.
Comment: This sequence change replaces threonine, which is neutral and polar, with asparagine, which is neutral and polar, at codon 442 of the SLC6A5 protein (p.Thr442Asn). This variant is present in population databases (no rsID available, gnomAD 0.007%). This variant has not been reported in the literature in individuals affected with SLC6A5-related conditions. Algorithms developed to predict the effect of missense changes on protein structure and function (SIFT, PolyPhen-2, Align-GVGD) all suggest that this variant is likely to be disruptive. In summary, the available evidence is currently insufficient to determine the role of this variant in disease. Therefore, it has been classified as a Variant of Uncertain Significance.